The following is an entry in ClinVar:

NM_001084.5(PLOD3):c.1935+4C>T

Gene: PLOD3 (procollagen-lysine,2-oxoglutarate 5-dioxygenase 3; minus strand). Cytogenetic location: 7q22.1.
Variant type: single nucleotide variant.
Coding change: c.1935+4C>T on transcript NM_001084.5 (MANE Select); 4 bases into the intron after coding-DNA position 1935, C replaced by T.
Molecular consequence: intron variant.
Genome position (GRCh38, 1-based): chr7:101,207,574, G>A on the plus strand (C>T on the coding strand, the complement: PLOD3 is on the minus strand). VCF-style: chr7-101207574-G-A. GRCh37 (hg19) VCF-style: chr7-100850855-G-A.
Identifiers: ClinVar variation 1410502 (VCV001410502.4), dbSNP rs200173573, ClinGen allele CA4407470.

ClinVar aggregate classification (germline): Uncertain significance (1 of 4 stars; one submission).

Allele frequency attached by ClinVar (database versions not stated): TOPMed 0.00006; ESP Exome Variant Server 0.00008; gnomAD exomes 0.00010 and 0.00025; gnomAD 0.00011; 1000 Genomes Project 30x 0.00016; 1000 Genomes Project 0.00020; ExAC 0.00032.
gnomAD v4.1: 171 of 1,613,504 alleles (0.011%); highest among the groups gnomAD compares: Non-Finnish European, 0.0087%; no homozygotes.

Submission:

Labcorp Genetics (formerly Invitae), Labcorp
Classification: Uncertain significance. Last evaluated: 2023-10-29. Review status: criteria provided, single submitter. Criteria: Invitae Variant Classification Sherloc (09022015). Collection method: clinical testing. Allele origin: germline.
Comment: This sequence change falls in intron 17 of the PLOD3 gene. It does not directly change the encoded amino acid sequence of the PLOD3 protein. It affects a nucleotide within the consensus splice site. This variant is present in population databases (rs200173573, gnomAD 0.1%). This variant has not been reported in the literature in individuals affected with PLOD3-related conditions. ClinVar contains an entry for this variant (Variation ID: 1410502). Variants that disrupt the consensus splice site are a relatively common cause of aberrant splicing (PMID: 17576681, 9536098). Algorithms developed to predict the effect of sequence changes on RNA splicing suggest that this variant is not likely to affect RNA splicing. In summary, the available evidence is currently insufficient to determine the role of this variant in disease. Therefore, it has been classified as a Variant of Uncertain Significance.

Literature cited by the submitters: PubMed 17576681; PubMed 9536098.